The following is an entry in ClinVar:

ClinVar aggregate classification (germline): Uncertain significance (1 of 4 stars; one submission).

Submission:

GeneDx
Classification: Uncertain significance. Last evaluated: 2026-03-18. Review status: criteria provided, single submitter. Criteria: GeneDx Variant Classification Process June 2021. Collection method: clinical testing. Allele origin: germline.
Comment: Not observed at significant frequency in large population cohorts (gnomAD); In silico analysis supports that this missense variant has a deleterious effect on protein structure/function; Has not been previously published as pathogenic or benign to our knowledge

NM_001458.5(FLNC):c.3334A>G (p.Asn1112Asp)

Gene: FLNC (filamin C; plus strand). Cytogenetic location: 7q32.1.
Variant type: single nucleotide variant.
Coding change: c.3334A>G on transcript NM_001458.5 (MANE Select); coding-DNA position 3334, A replaced by G.
Protein change: p.Asn1112Asp; replaces asparagine 1112 with aspartic acid.
Molecular consequence: missense variant.
Genome position (GRCh38, 1-based): chr7:128,844,799, A>G. VCF-style: chr7-128844799-A-G. GRCh37 (hg19) VCF-style: chr7-128484853-A-G.
Other names: c.3334A>G, p.Asn1112Asp (NM_001127487.2); short protein forms N1112D.
Identifiers: ClinVar variation 5009202 (VCV005009202.1).
Genomic context (GRCh38, chr7:128,844,799, plus strand): 5'-ACAGGTGGCCTGGGGCTGACCGTAGAGGGCCCCTGCGAGGCCAAGATCGAGTGCCAGGAC[A>G]ATGGTGATGGCTCATGTGCTGTCAGCTACCTGCCCACGGAGCCTGGCGAGTACACCATCA-3'
Protein context (NP_001449.3, residues 1102-1122): PCEAKIECQD[Asn1112Asp]GDGSCAVSYL